The following is an entry in ClinVar:

NM_020631.6(PLEKHG5):c.2227G>C (p.Gly743Arg)

Gene: PLEKHG5 (pleckstrin homology and RhoGEF domain containing G5; minus strand). Cytogenetic location: 1p36.31.
Variant type: single nucleotide variant.
Coding change: c.2227G>C on transcript NM_020631.6 (MANE Select); coding-DNA position 2227, G replaced by C.
Protein change: p.Gly743Arg; replaces glycine 743 with arginine.
Molecular consequence: missense variant.
Genome position (GRCh38, 1-based): chr1:6,469,064, C>G on the plus strand (G>C on the coding strand, the complement: PLEKHG5 is on the minus strand). VCF-style: chr1-6469064-C-G. GRCh37 (hg19) VCF-style: chr1-6529124-C-G.
Other names: c.2338G>C, p.Gly780Arg (NM_001042663.3, NM_001265592.2); c.2227G>C, p.Gly743Arg (NM_001042664.2, NM_001042665.2, NM_001265594.3 and 1 more transcripts); c.2434G>C, p.Gly812Arg (NM_001265593.2); short protein forms G743R, G780R, G812R.
Identifiers: ClinVar variation 2074069 (VCV002074069.4), dbSNP rs145073653, ClinGen allele CA17234726.

ClinVar aggregate classification (germline): Uncertain significance (1 of 4 stars; one submission).

Conditions:
Neuronopathy, distal hereditary motor, autosomal recessive 4. Also called: NEUROPATHY, DISTAL HEREDITARY MOTOR, AUTOSOMAL RECESSIVE 4; Autosomal recessive lower motor neuron disease with childhood onset. Identifiers: Orphanet 206580, MedGen C1970211, MONDO:0012608, OMIM 611067.
Charcot-Marie-Tooth disease recessive intermediate C. Also called: CHARCOT-MARIE-TOOTH NEUROPATHY, RECESSIVE INTERMEDIATE C. Identifiers: Orphanet 369867, MedGen C3809309, MONDO:0014154, OMIM 615376.

Submission:

Labcorp Genetics (formerly Invitae), Labcorp
Classification: Uncertain significance for Neuronopathy, distal hereditary motor, autosomal recessive 4; Charcot-Marie-Tooth disease recessive intermediate C. Last evaluated: 2022-07-22. Review status: criteria provided, single submitter. Criteria: Invitae Variant Classification Sherloc (09022015). Collection method: clinical testing. Allele origin: germline.
Comment: In summary, the available evidence is currently insufficient to determine the role of this variant in disease. Therefore, it has been classified as a Variant of Uncertain Significance. Algorithms developed to predict the effect of missense changes on protein structure and function (SIFT, PolyPhen-2, Align-GVGD) all suggest that this variant is likely to be tolerated. This variant has not been reported in the literature in individuals affected with PLEKHG5-related conditions. This variant is not present in population databases (gnomAD no frequency). This sequence change replaces glycine, which is neutral and non-polar, with arginine, which is basic and polar, at codon 743 of the PLEKHG5 protein (p.Gly743Arg).